The following is an entry in ClinVar:

ClinVar aggregate classification (germline): Uncertain significance (1 of 4 stars; one submission).

Submission:

Ambry Genetics
Classification: Uncertain significance. Last evaluated: 2024-07-03. Review status: criteria provided, single submitter. Criteria: Ambry Variant Classification Scheme 2023. Collection method: clinical testing. Allele origin: germline.
Comment: The p.I259V variant (also known as c.775A>G), located in coding exon 1 of the EGLN1 gene, results from an A to G substitution at nucleotide position 775. The isoleucine at codon 259 is replaced by valine, an amino acid with highly similar properties. This amino acid position is conserved. In addition, this alteration is predicted to be tolerated by in silico analysis. Based on the available evidence, the clinical significance of this variant remains unclear.

NM_022051.3(EGLN1):c.775A>G (p.Ile259Val)

Gene: EGLN1 (egl-9 family hypoxia inducible factor 1; minus strand). Cytogenetic location: 1q42.2.
Variant type: single nucleotide variant.
Coding change: c.775A>G on transcript NM_022051.3 (MANE Select); coding-DNA position 775, A replaced by G.
Protein change: p.Ile259Val; replaces isoleucine 259 with valine.
Molecular consequence: missense variant.
Genome position (GRCh38, 1-based): chr1:231,421,114, T>C on the plus strand (A>G on the coding strand, the complement: EGLN1 is on the minus strand). VCF-style: chr1-231421114-T-C. GRCh37 (hg19) VCF-style: chr1-231556860-T-C.
Other names: c.775A>G, p.Ile259Val (NM_001377260.1, NM_001377261.1); short protein forms I259V.
Identifiers: ClinVar variation 3507208 (VCV003507208.1).
Genomic context (GRCh38, chr1:231,421,114, plus strand): 5'-GGTCGTCCATGCTGCTCATGAGCAGCCCAATGGTTTCGCAGCCGGGCTCCTTGCCCTCGA[T>C]CCAGGTGATCTTATCGCCTCGGATGTCCTTGGACGAGTCACTCTTCTGGCTGACCAGCTG-3'
Protein context (NP_071334.1, residues 249-269): KDIRGDKITW[Ile259Val]EGKEPGCETI